The following is an entry in ClinVar:

NM_000587.4(C7):c.138+3A>G

Gene: C7 (complement C7; plus strand). Cytogenetic location: 5p13.1.
Variant type: single nucleotide variant.
Coding change: c.138+3A>G on transcript NM_000587.4 (MANE Select); 3 bases into the intron after coding-DNA position 138, A replaced by G.
Molecular consequence: intron variant.
Genome position (GRCh38, 1-based): chr5:40,931,142, A>G. VCF-style: chr5-40931142-A-G. GRCh37 (hg19) VCF-style: chr5-40931244-A-G.
Identifiers: ClinVar variation 1411634 (VCV001411634.6), dbSNP rs1363955530, ClinGen allele CA810630682.
Genomic context (GRCh38, chr5:40,931,142, plus strand): 5'-CTGCCAGTGGGACTTCTATGCCCCTTGGTCAGAATGCAATGGCTGTACCAAGACTCAGGT[A>G]GGACCATGCAAAACTTTGTATTTGATTATTTATTGCAGAAATACTTTGGCATGGCCAAAA-3'

ClinVar aggregate classification (germline): Uncertain significance (1 of 4 stars; one submission).

Allele frequency attached by ClinVar (database versions not stated): gnomAD 0.00001; TOPMed 0.00001.
gnomAD v4.1: 1 of 1,609,392 alleles (0.000062%); highest among the groups gnomAD compares: Non-Finnish European, 0.000085%; no homozygotes.

Submission:

Labcorp Genetics (formerly Invitae), Labcorp
Classification: Uncertain significance. Last evaluated: 2021-04-21. Review status: criteria provided, single submitter. Criteria: Invitae Variant Classification Sherloc (09022015). Collection method: clinical testing. Allele origin: germline.
Comment: In summary, the available evidence is currently insufficient to determine the role of this variant in disease. Therefore, it has been classified as a Variant of Uncertain Significance. Nucleotide substitutions within the consensus splice site are a relatively common cause of aberrant splicing (PMID: 17576681, 9536098). Algorithms developed to predict the effect of sequence changes on RNA splicing suggest that this variant may disrupt the consensus splice site, but this prediction has not been confirmed by published transcriptional studies. This variant has not been reported in the literature in individuals with C7-related conditions. This variant is not present in population databases (ExAC no frequency). This sequence change falls in intron 3 of the C7 gene. It does not directly change the encoded amino acid sequence of the C7 protein. It affects a nucleotide within the consensus splice site of the intron.

Literature cited by the submitters: PubMed 17576681; PubMed 9536098.